The following is an entry in ClinVar:

ClinVar aggregate classification (germline): Pathogenic (1 of 4 stars; one submission).

Conditions:
Tuberous sclerosis 1 (TSC1). Identifiers: Orphanet 805, MedGen C1854465, MONDO:0008612, OMIM 191100.

Submission:

Labcorp Genetics (formerly Invitae), Labcorp
Classification: Pathogenic for Tuberous sclerosis 1. Last evaluated: 2017-04-06. Review status: criteria provided, single submitter. Criteria: Invitae Variant Classification Sherloc (09022015). Collection method: clinical testing. Allele origin: germline.
Comment: This sequence change inserts 1 nucleotide in exon 9 of the TSC1 mRNA (c.850dupC), causing a frameshift at codon 284. This creates a premature translational stop signal (p.Arg284Profs*16) and is expected to result in an absent or disrupted protein product. For these reasons, this variant has been classified as Pathogenic. While this particular variant has not been reported in the literature, loss-of-function variants in TSC1 are known to be pathogenic (PMID: 10227394, 17304050).

Literature cited by the submitters: PubMed 10227394; PubMed 17304050.

NM_000368.5(TSC1):c.850dup (p.Arg284fs)

Gene: TSC1 (TSC complex subunit 1; minus strand). Cytogenetic location: 9q34.13.
Variant type: Duplication.
Coding change: c.850dup on transcript NM_000368.5 (MANE Select); coding-DNA position 850, one base duplicated (C; older notation c.850dupC).
Protein change: p.Arg284fs; shifts the reading frame from arginine 284.
Molecular consequence: frameshift variant.
Genome position (GRCh38, 1-based): chr9:132,912,345, G duplicated on the plus strand (C on the coding strand, the reverse complement: TSC1 is on the minus strand); the first of 3 consecutive G bases (chr9:132,912,345-132,912,347); duplicating any one gives the same sequence. VCF-style (leftmost placement, unchanged base first): chr9-132912344-C-CG. GRCh37 (hg19) VCF-style: chr9-135787731-C-CG.
Other names: c.850dupC (NM_000368.4); c.850dup, p.Arg284fs (NM_001162426.2); c.697dup, p.Arg233fs (NM_001162427.2); c.487dup, p.Arg163fs (NM_001362177.2); short protein forms R163fs, R284fs, R233fs.
Identifiers: ClinVar variation 466159 (VCV000466159.6), dbSNP rs1554817612, ClinGen allele CA658657924.